The following is an entry in ClinVar:

NM_004415.4(DSP):c.6072T>C (p.Ser2024=)

Gene: DSP (desmoplakin; plus strand). Cytogenetic location: 6p24.3.
Variant type: single nucleotide variant.
Coding change: c.6072T>C on transcript NM_004415.4 (MANE Select); coding-DNA position 6072, T replaced by C.
Protein change: p.Ser2024=; no amino-acid change (serine 2024 retained).
Molecular consequence: synonymous variant.
Genome position (GRCh38, 1-based): chr6:7,583,334, T>C. VCF-style: chr6-7583334-T-C. GRCh37 (hg19) VCF-style: chr6-7583567-T-C.
Other names: c.4275T>C, p.Ser1425= (NM_001008844.3); c.4743T>C, p.Ser1581= (NM_001319034.2); c.6072T>C (NM_004415.3).
Identifiers: ClinVar variation 1751404 (VCV001751404.8), dbSNP rs945649827, ClinGen allele CA133974291.

ClinVar aggregate classification (germline): Likely benign. Review status: criteria provided, multiple submitters, no conflicts (2 of 4 stars). 5 submissions from 5 submitters: Likely benign (5). Last evaluated 2025-02-27.

Conditions:
Cardiomyopathy (CMYO). Also called: Cardiomyopathies. Identifiers: Orphanet 167848, MedGen C0878544, MONDO:0004994, HP:0001638. Inheritance: Various modes of inheritance.
Arrhythmogenic cardiomyopathy with wooly hair and keratoderma. Also called: PALMOPLANTAR KERATODERMA WITH LEFT VENTRICULAR CARDIOMYOPATHY AND WOOLLY HAIR; Carvajal syndrome; Dilated cardiomyopathy with woolly hair and keratoderma; Arrhythmogenic cardiomyopathy with woolly hair and keratoderma. Identifiers: Orphanet 65282, MedGen C1854063, MONDO:0011581, OMIM 605676.
Arrhythmogenic right ventricular dysplasia 8 (ARVD8). Also called: Arrhythmogenic Right Ventricular Dysplasia/Cardiomyopathy 8; ARRHYTHMOGENIC RIGHT VENTRICULAR DYSPLASIA, FAMILIAL, 8; ARRHYTHMOGENIC RIGHT VENTRICULAR CARDIOMYOPATHY 8. Identifiers: MedGen C1843896, MONDO:0011831, OMIM 607450.
Cardiovascular phenotype. Identifiers: MedGen CN230736.

Allele frequency attached by ClinVar (database versions not stated): gnomAD 0.00001; TOPMed 0.00004.
gnomAD v4.1: 1 of 1,614,038 alleles (0.000062%); highest among the groups gnomAD compares: African/African-American, 0.0013%; no homozygotes.

Submissions (5):

Labcorp Genetics (formerly Invitae), Labcorp
Classification: Likely benign for Arrhythmogenic cardiomyopathy with wooly hair and keratoderma; Arrhythmogenic right ventricular dysplasia 8. Last evaluated: 2025-02-27. Review status: criteria provided, single submitter. Criteria: Invitae Variant Classification Sherloc (09022015). Collection method: clinical testing. Allele origin: germline.

All of Us Research Program, National Institutes of Health
Classification: Likely benign for Arrhythmogenic cardiomyopathy with wooly hair and keratoderma. Last evaluated: 2023-08-15. Review status: criteria provided, single submitter. Criteria: ACMG Guidelines, 2015. Collection method: clinical testing. Allele origin: germline. Inheritance: Autosomal dominant inheritance. Observed: 2 variant alleles, 2 heterozygotes.
Comment: This study involves interpretation of variants in research participants for the purpose of population health screening. Participant phenotype was not available at the time of variant classification. Additional details can be found in publication PMID: 35346344, PMCID: PMC8962531

Women's Health and Genetics/Laboratory Corporation of America, LabCorp
Classification: Likely benign. Last evaluated: 2023-05-08. Review status: criteria provided, single submitter. Criteria: LabCorp Variant Classification Summary - May 2015. Collection method: clinical testing. Allele origin: germline.
Comment: Variant summary: DSP c.6072T>C alters a conserved nucleotide resulting in a synonymous change. 4/4 computational tools predict no significant impact on normal splicing. However, these predictions have yet to be confirmed by functional studies. The variant was absent in 250898 control chromosomes (gnomAD). The available data on variant occurrences in the general population are insufficient to allow any conclusion about variant significance. To our knowledge, no occurrence of c.6072T>C in individuals affected with Arrhythmogenic Right Ventricular Dysplasia/Cardiomyopathy and no experimental evidence demonstrating its impact on protein function have been reported. One clinical diagnostic laboratory has submitted a clinical-significance assessment for this variant to ClinVar after 2014 and classified the variant as likely benign. Based on the evidence outlined above, the variant was classified as likely benign.

Color Diagnostics, LLC DBA Color Health
Classification: Likely benign for Cardiomyopathy. Last evaluated: 2022-11-06. Review status: criteria provided, single submitter. Criteria: ACMG Guidelines, 2015. Collection method: clinical testing. Allele origin: germline.

Ambry Genetics
Classification: Likely benign for Cardiovascular phenotype. Last evaluated: 2022-06-06. Review status: criteria provided, single submitter. Criteria: Ambry Variant Classification Scheme 2023. Collection method: clinical testing. Allele origin: germline.